The following is an entry in ClinVar:

ClinVar aggregate classification (germline): Uncertain significance. Review status: criteria provided, multiple submitters, no conflicts (2 of 4 stars). 4 submissions from 4 submitters: Uncertain significance (4). Last evaluated 2025-06-07.

Conditions:
Nephronophthisis. Also called: Juvenile Nephronophthisis. Identifiers: Orphanet 655, MedGen C0687120, MONDO:0019005, HP:0000090.
Meckel-Gruber syndrome. Also called: Dysencephalia splachnocystica; DYSENCEPHALIA SPLANCHNOCYSTICA; GRUBER SYNDROME. Identifiers: Orphanet 564, MedGen C0265215, MONDO:0018921.
Joubert syndrome. Also called: Familial aplasia of the vermis; JOUBERT-BOLTSHAUSER SYNDROME. Identifiers: Orphanet 475, MedGen C5979921, MONDO:0018772.
Inborn genetic diseases. Identifiers: MedGen C0950123, MeSH D030342.
Leber congenital amaurosis 10 (LCA10). Identifiers: Orphanet 65, MedGen C1857821, MONDO:0012723, OMIM 611755.
Meckel syndrome, type 4 (MKS4). Also called: MECKEL-GRUBER SYNDROME, TYPE 4. Identifiers: Orphanet 564, MedGen C1970161, MONDO:0012626, OMIM 611134.
Joubert syndrome 5 (JBTS5). Identifiers: Orphanet 2318, MedGen C1857780, MONDO:0012432, OMIM 610188.
Bardet-Biedl syndrome 14 (BBS14). Identifiers: Orphanet 110, MedGen C2673874, MONDO:0014442, OMIM 615991.
Senior-Loken syndrome 6 (SLSN6). Identifiers: Orphanet 3156, MedGen C1857779, MONDO:0012433, OMIM 610189.

Allele frequency attached by ClinVar (database versions not stated): TOPMed below 0.00001; gnomAD exomes 0.00001; ExAC 0.00008.
gnomAD v4.1: 8 of 1,582,786 alleles (0.00051%); highest among the groups gnomAD compares: East Asian, 0.014%; no homozygotes.

Submissions (4):

Ambry Genetics
Classification: Uncertain significance for Inborn genetic diseases. Last evaluated: 2025-06-07. Review status: criteria provided, single submitter. Criteria: Ambry Variant Classification Scheme 2023. Collection method: clinical testing. Allele origin: germline.

Fulgent Genetics
Classification: Uncertain significance for Joubert syndrome 5; Senior-Loken syndrome 6; Meckel syndrome, type 4; Leber congenital amaurosis 10; Bardet-Biedl syndrome 14. Last evaluated: 2024-05-10. Review status: criteria provided, single submitter. Criteria: ACMG Guidelines, 2015. Collection method: clinical testing. Allele origin: germline.

Labcorp Genetics (formerly Invitae), Labcorp
Classification: Uncertain significance for Joubert syndrome; Meckel-Gruber syndrome; Nephronophthisis. Last evaluated: 2024-05-09. Review status: criteria provided, single submitter. Criteria: Invitae Variant Classification Sherloc (09022015). Collection method: clinical testing. Allele origin: germline.
Comment: This sequence change replaces alanine, which is neutral and non-polar, with threonine, which is neutral and polar, at codon 1432 of the CEP290 protein (p.Ala1432Thr). The frequency data for this variant in the population databases is considered unreliable, as metrics indicate poor data quality at this position in the gnomAD database. This variant has not been reported in the literature in individuals affected with CEP290-related conditions. ClinVar contains an entry for this variant (Variation ID: 2531081). Advanced modeling of protein sequence and biophysical properties (such as structural, functional, and spatial information, amino acid conservation, physicochemical variation, residue mobility, and thermodynamic stability) performed at Invitae indicates that this missense variant is expected to disrupt CEP290 protein function with a positive predictive value of 80%. In summary, the available evidence is currently insufficient to determine the role of this variant in disease. Therefore, it has been classified as a Variant of Uncertain Significance.

Blueprint Genetics
Classification: Uncertain significance. Last evaluated: 2021-06-03. Review status: criteria provided, single submitter. Criteria: ACMG Guidelines, 2015. Collection method: clinical testing. Allele origin: germline.

NM_025114.4(CEP290):c.4294G>A (p.Ala1432Thr)

Gene: CEP290 (centrosomal protein 290; minus strand). Cytogenetic location: 12q21.32.
Variant type: single nucleotide variant.
Coding change: c.4294G>A on transcript NM_025114.4 (MANE Select); coding-DNA position 4294, G replaced by A.
Protein change: p.Ala1432Thr; replaces alanine 1432 with threonine.
Molecular consequence: missense variant.
Genome position (GRCh38, 1-based): chr12:88,086,399, C>T on the plus strand (G>A on the coding strand, the complement: CEP290 is on the minus strand). VCF-style: chr12-88086399-C-T. GRCh37 (hg19) VCF-style: chr12-88480176-C-T.
Other names: short protein forms A1432T.
Identifiers: ClinVar variation 2531081 (VCV002531081.7), dbSNP rs747949998, ClinGen allele CA6711984.